The following is an entry in ClinVar:

NC_000019.9:g.(?_54625219)_(54628055_?)del

Gene: PRPF31 (pre-mRNA processing factor 31; plus strand). Cytogenetic location: 19q13.42.
Variant type: Deletion.
Identifiers: ClinVar variation 2426197 (VCV002426197.5).

ClinVar aggregate classification (germline): Pathogenic (1 of 4 stars; one submission).

Submission:

Labcorp Genetics (formerly Invitae), Labcorp
Classification: Pathogenic. Last evaluated: 2022-09-20. Review status: criteria provided, single submitter. Criteria: Invitae Variant Classification Sherloc (09022015). Collection method: clinical testing. Allele origin: germline.
Comment: A similar copy number variant has been observed in individual(s) with retinitis pigmentosa (PMID: 17003455). This variant is a gross deletion of the genomic region encompassing exon(s) 4-8 of the PRPF31 gene. This deletion is out-of-frame, and is expected to create a premature termination codon and result in an absent or disrupted protein product. Loss-of-function variants in PRPF31 are known to be pathogenic (PMID: 18317597, 23950152). For these reasons, this variant has been classified as Pathogenic.

Literature cited by the submitters: PubMed 17003455; PubMed 18317597; PubMed 23950152.